The following is an entry in ClinVar:

ClinVar aggregate classification (germline): Uncertain significance (1 of 4 stars; one submission).

Conditions:
SCAPER-related disorder. Also called: SCAPER-related condition.

gnomAD v4.1: 3 of 1,613,818 alleles (0.00019%); highest among the groups gnomAD compares: African/African-American, 0.004%; no homozygotes.

Submission:

PreventionGenetics, part of Exact Sciences
Classification: Uncertain significance for SCAPER-related condition. Last evaluated: 2025-03-12. Review status: criteria provided, single submitter. Criteria: ACMG Guidelines, 2015. Collection method: clinical testing. Allele origin: germline.
Comment: The SCAPER c.245A>G variant is predicted to result in the amino acid substitution p.His82Arg. To our knowledge, this variant has not been reported in the literature. This variant is reported in 0.0065% of alleles in individuals of African descent in gnomAD. At this time, the clinical significance of this variant is uncertain due to the absence of conclusive functional and genetic evidence.

NM_020843.4(SCAPER):c.245A>G (p.His82Arg)

Gene: SCAPER (S-phase cyclin A associated protein in the ER; minus strand). Cytogenetic location: 15q24.3.
Variant type: single nucleotide variant.
Coding change: c.245A>G on transcript NM_020843.4 (MANE Select); coding-DNA position 245, A replaced by G.
Protein change: p.His82Arg; replaces histidine 82 with arginine.
Molecular consequence: missense variant. On other transcripts: 5 prime UTR variant (4), non-coding transcript variant (1).
Genome position (GRCh38, 1-based): chr15:76,841,882, T>C on the plus strand (A>G on the coding strand, the complement: SCAPER is on the minus strand). VCF-style: chr15-76841882-T-C. GRCh37 (hg19) VCF-style: chr15-77134223-T-C.
Other names: c.-653A>G (NM_001145923.2); c.245A>G, p.His82Arg (NM_001353009.2); c.-158A>G (NM_001353010.2, NM_001353011.2, NM_001353012.2); short protein forms H82R.
Identifiers: ClinVar variation 4985008 (VCV004985008.1).